The following is an entry in ClinVar:

NM_003200.5(TCF3):c.545C>T (p.Ser182Phe)

Gene: TCF3 (transcription factor 3; minus strand). Cytogenetic location: 19p13.3.
Variant type: single nucleotide variant.
Coding change: c.545C>T on transcript NM_003200.5 (MANE Select); coding-DNA position 545, C replaced by T.
Protein change: p.Ser182Phe; replaces serine 182 with phenylalanine.
Molecular consequence: missense variant.
Genome position (GRCh38, 1-based): chr19:1,623,955, G>A on the plus strand (C>T on the coding strand, the complement: TCF3 is on the minus strand). VCF-style: chr19-1623955-G-A. GRCh37 (hg19) VCF-style: chr19-1623954-G-A.
Other names: c.545C>T, p.Ser182Phe (NM_001136139.4, NM_001351778.2, NM_001351779.2); short protein forms S182F.
Identifiers: ClinVar variation 3720085 (VCV003720085.2).
Genomic context (GRCh38, chr19:1,623,955, plus strand): 5'-GGGCCTGGCACTGCCACTGACGAGCTGTGGGGTCCCTTCTCCCTCGTGCGACTCACCGAG[G>A]ATGGAAGACCCGGCGGGACCTTCCGGACCTTCTTGGGCTGCGTGTCTGTTAGAAGCAAAA-3'
Protein context (NP_003191.1, residues 172-192): KVRKVPPGLP[Ser182Phe]SVYPPSSGED

ClinVar aggregate classification (germline): Uncertain significance (1 of 4 stars; one submission).

Submission:

Labcorp Genetics (formerly Invitae), Labcorp
Classification: Uncertain significance. Last evaluated: 2025-02-03. Review status: criteria provided, single submitter. Criteria: Invitae Variant Classification Sherloc (09022015). Collection method: clinical testing. Allele origin: germline.
Comment: This sequence change replaces serine, which is neutral and polar, with phenylalanine, which is neutral and non-polar, at codon 182 of the TCF3 protein (p.Ser182Phe). This variant is not present in population databases (gnomAD no frequency). This variant has not been reported in the literature in individuals affected with TCF3-related conditions. Invitae Evidence Modeling of protein sequence and biophysical properties (such as structural, functional, and spatial information, amino acid conservation, physicochemical variation, residue mobility, and thermodynamic stability) indicates that this missense variant is expected to disrupt TCF3 protein function with a positive predictive value of 80%. In summary, the available evidence is currently insufficient to determine the role of this variant in disease. Therefore, it has been classified as a Variant of Uncertain Significance.